The following is an entry in ClinVar:

ClinVar aggregate classification (germline): Uncertain significance (1 of 4 stars; one submission).

Conditions:
Hajdu-Cheney syndrome (HJCYS). Also called: Acroosteolysis dominant type; SERPENTINE FIBULA-POLYCYSTIC KIDNEY SYNDROME; ACROOSTEOLYSIS WITH OSTEOPOROSIS AND CHANGES IN SKULL AND MANDIBLE. Identifiers: Orphanet 955, MedGen C0917715, MONDO:0007057, OMIM 102500.

Submission:

Labcorp Genetics (formerly Invitae), Labcorp
Classification: Uncertain significance for Hajdu-Cheney syndrome. Last evaluated: 2025-06-04. Review status: criteria provided, single submitter. Criteria: Invitae Variant Classification Sherloc (09022015). Collection method: clinical testing. Allele origin: germline.
Comment: This sequence change replaces glycine, which is neutral and non-polar, with serine, which is neutral and polar, at codon 703 of the NOTCH2 protein (p.Gly703Ser). This variant is not present in population databases (gnomAD no frequency). This variant has not been reported in the literature in individuals affected with NOTCH2-related conditions. Invitae Evidence Modeling of protein sequence and biophysical properties (such as structural, functional, and spatial information, amino acid conservation, physicochemical variation, residue mobility, and thermodynamic stability) indicates that this missense variant is not expected to disrupt NOTCH2 protein function with a negative predictive value of 95%. In summary, the available evidence is currently insufficient to determine the role of this variant in disease. Therefore, it has been classified as a Variant of Uncertain Significance.

NM_024408.4(NOTCH2):c.2107G>A (p.Gly703Ser)

Gene: NOTCH2 (notch receptor 2; minus strand). Cytogenetic location: 1p12.
Variant type: single nucleotide variant.
Coding change: c.2107G>A on transcript NM_024408.4 (MANE Select); coding-DNA position 2107, G replaced by A.
Protein change: p.Gly703Ser; replaces glycine 703 with serine.
Molecular consequence: missense variant.
Genome position (GRCh38, 1-based): chr1:119,955,152, C>T on the plus strand (G>A on the coding strand, the complement: NOTCH2 is on the minus strand). VCF-style: chr1-119955152-C-T. GRCh37 (hg19) VCF-style: chr1-120497775-C-T.
Other names: c.2107G>A, p.Gly703Ser (NM_001200001.2); short protein forms G703S.
Identifiers: ClinVar variation 4807329 (VCV004807329.1).
Genomic context (GRCh38, chr1:119,955,152, plus strand): 5'-CGTTCACCTGTGAGTAGCAGCTGGGGTGATGGGGTCCCTCGGGGCATATACAGCGGAAAC[C>T]ATTCACACCGTTGATACATGTTGCACCCTTGCGACAGGGATTGGAGGCACACTCATCAAT-3'
Protein context (NP_077719.2, residues 693-713): KGATCINGVN[Gly703Ser]FRCICPEGPH